The following is an entry in ClinVar:

NM_006269.2(RP1):c.644G>A (p.Ser215Asn)

Gene: RP1 (RP1 axonemal microtubule associated; plus strand). Cytogenetic location: 8q12.1.
Variant type: single nucleotide variant.
Coding change: c.644G>A on transcript NM_006269.2 (MANE Select); coding-DNA position 644, G replaced by A.
Protein change: p.Ser215Asn; replaces serine 215 with asparagine.
Molecular consequence: missense variant.
Genome position (GRCh38, 1-based): chr8:54,622,145, G>A. VCF-style: chr8-54622145-G-A. GRCh37 (hg19) VCF-style: chr8-55534705-G-A.
Other names: c.644G>A, p.Ser215Asn (NM_001375654.1); short protein forms S215N.
Identifiers: ClinVar variation 1045918 (VCV001045918.9), dbSNP rs759197247, ClinGen allele CA4751238.

ClinVar aggregate classification (germline): Uncertain significance. Review status: criteria provided, multiple submitters, no conflicts (2 of 4 stars). 2 submissions from 2 submitters: Uncertain significance (2). Last evaluated 2025-04-26.

Allele frequency attached by ClinVar (database versions not stated): gnomAD 0.00002; TOPMed 0.00002; ExAC 0.00003; gnomAD exomes 0.00003 and 0.00010.
gnomAD v4.1: 145 of 1,614,104 alleles (0.009%); highest among the groups gnomAD compares: Non-Finnish European, 0.012%; no homozygotes.

Submissions (2):

Labcorp Genetics (formerly Invitae), Labcorp
Classification: Uncertain significance. Last evaluated: 2025-04-26. Review status: criteria provided, single submitter. Criteria: Invitae Variant Classification Sherloc (09022015). Collection method: clinical testing. Allele origin: germline.
Comment: This sequence change replaces serine, which is neutral and polar, with asparagine, which is neutral and polar, at codon 215 of the RP1 protein (p.Ser215Asn). This variant is present in population databases (rs759197247, gnomAD 0.006%). This missense change has been observed in individual(s) with autosomal dominant inherited retinal dystrophy (internal data). ClinVar contains an entry for this variant (Variation ID: 1045918). An algorithm developed to predict the effect of missense changes on protein structure and function (PolyPhen-2) suggests that this variant is likely to be tolerated. In summary, the available evidence is currently insufficient to determine the role of this variant in disease. Therefore, it has been classified as a Variant of Uncertain Significance.

Blueprint Genetics
Classification: Uncertain significance. Last evaluated: 2024-09-20. Review status: criteria provided, single submitter. Criteria: ACMG Guidelines, 2015. Collection method: clinical testing. Allele origin: germline.